The following is an entry in ClinVar:

ClinVar aggregate classification (germline): Likely pathogenic (1 of 4 stars; one submission).

Submission:

Clinical Genomics Laboratory, Laboratory for Precision Diagnostics, University of Washington
Classification: Likely pathogenic. Last evaluated: 2019-10-18. Review status: criteria provided, single submitter. Criteria: Clinical Cytogenomics Laboratory Policy on CNV Interpretation. Collection method: clinical testing. Allele origin: unknown. Affected: yes. Observed: 1 variant allele.
Comment: Low penetrance

Literature cited by the submitters: PubMed 21147883; PubMed 26040210; PubMed 26984564; PubMed 1953380; PubMed 27073233; PubMed 20655035.

GRCh37/hg19 Xp22.33(chrX:60814-594144)x3

Variant type: copy number gain.
Change: copy number 3 of chrX:60,814-594,144 (533.3 kb, GRCh37 coordinates, 1-based), cytogenetic band Xp22.33.
Identifiers: ClinVar variation 929375 (VCV000929375.2).